The following is an entry in ClinVar:

ClinVar aggregate classification (germline): Uncertain significance (1 of 4 stars; one submission).

Submission:

Labcorp Genetics (formerly Invitae), Labcorp
Classification: Uncertain significance. Last evaluated: 2025-02-13. Review status: criteria provided, single submitter. Criteria: Invitae Variant Classification Sherloc (09022015). Collection method: clinical testing. Allele origin: germline.
Comment: This sequence change replaces glutamic acid, which is acidic and polar, with glutamine, which is neutral and polar, at codon 101 of the ERCC6L2 protein (p.Glu101Gln). This variant is not present in population databases (gnomAD no frequency). This variant has not been reported in the literature in individuals affected with ERCC6L2-related conditions. ClinVar contains an entry for this variant (Variation ID: 1506390). Experimental studies and prediction algorithms are not available or were not evaluated, and the functional significance of this variant is currently unknown. In summary, the available evidence is currently insufficient to determine the role of this variant in disease. Therefore, it has been classified as a Variant of Uncertain Significance.

NM_020207.7(ERCC6L2):c.268G>C (p.Glu90Gln)

Gene: ERCC6L2 (ERCC excision repair 6 like 2; plus strand). Cytogenetic location: 9q22.32.
Variant type: single nucleotide variant.
Coding change: c.268G>C on transcript NM_020207.7 (MANE Select); coding-DNA position 268, G replaced by C.
Protein change: p.Glu90Gln; replaces glutamic acid 90 with glutamine.
Molecular consequence: missense variant. On other transcripts: non-coding transcript variant (1).
Genome position (GRCh38, 1-based): chr9:95,881,090, G>C. VCF-style: chr9-95881090-G-C. GRCh37 (hg19) VCF-style: chr9-98643372-G-C.
Other names: c.268G>C, p.Glu90Gln (NM_001010895.4, NM_001375291.1, NM_001375292.1 and 2 more transcripts); short protein forms E90Q.
Identifiers: ClinVar variation 1506390 (VCV001506390.8), dbSNP rs2132513643, ClinGen allele CA374117414.
Genomic context (GRCh38, chr9:95,881,090, plus strand): 5'-CAAGAAGTGAAATTTGTTAAAGATTGCCCTAGGAATCTTATATTTGATGATGAAGATTTA[G>C]AAAAACCTTATTTCCCAAACCGAAAATTTCCATCATCTTCTGTTGCTTTTAAATTATCTG-3'
Protein context (NP_064592.3, residues 80-100): RNLIFDDEDL[Glu90Gln]KPYFPNRKFP